The following is an entry in ClinVar:

NM_000260.4(MYO7A):c.735+2_735+14delinsCT

Gene: MYO7A (myosin VIIA; plus strand). Cytogenetic location: 11q13.5.
Variant type: Indel.
Coding change: c.735+2_735+14delinsCT on transcript NM_000260.4 (MANE Select); the canonical splice donor site of the intron after coding-DNA position 735 through 14 bases into the intron after coding-DNA position 735, TGGGCCTGAGCCC replaced by CT.
Molecular consequence: splice donor variant.
Genome position (GRCh38, 1-based): chr11:77,157,006-77,157,018, TGGGCCTGAGCCC replaced by CT. VCF-style: chr11-77157006-TGGGCCTGAGCCC-CT. GRCh37 (hg19) VCF-style: chr11-76868052-TGGGCCTGAGCCC-CT.
Other names: c.702+2_702+14delinsCT (NM_001369365.1); c.735+2_735+14delinsCT (NM_001127180.2).
Identifiers: ClinVar variation 4526477 (VCV004526477.1).

ClinVar aggregate classification (germline): Pathogenic (1 of 4 stars; one submission).

Conditions:
Monogenic hearing loss.

Submission:

Genetics Laboratory, Great Ormond Street Hospital NHS Foundation Trust, North Thames Genomic Laboratory Hub
Classification: Pathogenic for Monogenic hearing loss. Last evaluated: 2025-09-01. Review status: criteria provided, single submitter. Criteria: ACGS Best Practice Guidelines for Variant Classification in Rare Disease 2024 v1.2. Collection method: clinical testing. Allele origin: germline. Affected: yes.
Comment: PM2_moderate, PVS1_very-strong, PM3_supporting, PP4_supporting